The following is an entry in ClinVar:

NM_002860.4(ALDH18A1):c.782T>C (p.Leu261Pro)

Gene: ALDH18A1 (aldehyde dehydrogenase 18 family member A1; minus strand). Cytogenetic location: 10q24.1.
Variant type: single nucleotide variant.
Coding change: c.782T>C on transcript NM_002860.4 (MANE Select); coding-DNA position 782, T replaced by C.
Protein change: p.Leu261Pro; replaces leucine 261 with proline.
Molecular consequence: missense variant.
Genome position (GRCh38, 1-based): chr10:95,632,985, A>G on the plus strand (T>C on the coding strand, the complement: ALDH18A1 is on the minus strand). VCF-style: chr10-95632985-A-G. GRCh37 (hg19) VCF-style: chr10-97392742-A-G.
Other names: c.776T>C, p.Leu259Pro (NM_001017423.2, NM_001323415.2); c.449T>C, p.Leu150Pro (NM_001323412.2, NM_001323416.2); c.782T>C, p.Leu261Pro (NM_001323413.2, NM_001323414.2); c.677T>C, p.Leu226Pro (NM_001323417.2); c.443T>C, p.Leu148Pro (NM_001323418.2); c.146T>C, p.Leu49Pro (NM_001323419.2); short protein forms L148P, L226P, L259P, L261P, L150P, L49P.
Identifiers: ClinVar variation 2947006 (VCV002947006.3), dbSNP rs2526867060, ClinGen allele CA377704933.

ClinVar aggregate classification (germline): Uncertain significance (1 of 4 stars; one submission).

Conditions:
Cutis laxa, autosomal dominant 3 (ADCL3). Identifiers: Orphanet 90348, MedGen C4225268, MONDO:0014706, OMIM 616603.
Autosomal dominant spastic paraplegia type 9. Identifiers: MedGen C1832669, MONDO:0015091.
de Barsy syndrome. Also called: Cutis laxa-corneal clouding-oligophrenia syndrome. Identifiers: Orphanet 2962, MedGen C0268354, MONDO:0017569.

Submission:

Labcorp Genetics (formerly Invitae), Labcorp
Classification: Uncertain significance for Autosomal dominant spastic paraplegia type 9; de Barsy syndrome; Cutis laxa, autosomal dominant 3. Last evaluated: 2023-04-22. Review status: criteria provided, single submitter. Criteria: Invitae Variant Classification Sherloc (09022015). Collection method: clinical testing. Allele origin: germline.
Comment: This sequence change replaces leucine, which is neutral and non-polar, with proline, which is neutral and non-polar, at codon 261 of the ALDH18A1 protein (p.Leu261Pro). In summary, the available evidence is currently insufficient to determine the role of this variant in disease. Therefore, it has been classified as a Variant of Uncertain Significance. Advanced modeling of protein sequence and biophysical properties (such as structural, functional, and spatial information, amino acid conservation, physicochemical variation, residue mobility, and thermodynamic stability) has been performed at Invitae for this missense variant, however the output from this modeling did not meet the statistical confidence thresholds required to predict the impact of this variant on ALDH18A1 protein function. This variant has not been reported in the literature in individuals affected with ALDH18A1-related conditions. This variant is not present in population databases (gnomAD no frequency).